The following is an entry in ClinVar:

NM_002691.4(POLD1):c.2560G>C (p.Asp854His)

Gene: POLD1 (DNA polymerase delta 1, catalytic subunit; plus strand). Cytogenetic location: 19q13.33.
Variant type: single nucleotide variant.
Coding change: c.2560G>C on transcript NM_002691.4 (MANE Select); coding-DNA position 2560, G replaced by C.
Protein change: p.Asp854His; replaces aspartic acid 854 with histidine.
Molecular consequence: missense variant. On other transcripts: non-coding transcript variant (1).
Genome position (GRCh38, 1-based): chr19:50,414,986, G>C. VCF-style: chr19-50414986-G-C. GRCh37 (hg19) VCF-style: chr19-50918243-G-C.
Other names: c.2560G>C, p.Asp854His (NM_001256849.1); c.2638G>C, p.Asp880His (NM_001308632.1); short protein forms D854H, D880H.
Identifiers: ClinVar variation 843011 (VCV000843011.14), dbSNP rs373650022, ClinGen allele CA406985244.

ClinVar aggregate classification (germline): Uncertain significance. Review status: criteria provided, multiple submitters, no conflicts (2 of 4 stars). 3 submissions from 3 submitters: Uncertain significance (3). Last evaluated 2025-07-06.

Conditions:
Hereditary cancer-predisposing syndrome. Also called: Tumor predisposition; Hereditary Cancer Syndrome; Hereditary neoplastic syndrome; Neoplastic Syndromes, Hereditary. Identifiers: Orphanet 140162, MedGen C0027672, MeSH D009386, MONDO:0015356.
POLD1-related polyposis and colorectal cancer syndrome (CRCS10). Also called: Colorectal cancer 10; COLORECTAL CANCER, SUSCEPTIBILITY TO, ON CHROMOSOME 19q; Colorectal cancer, susceptibility to, 10. Identifiers: Orphanet 220460, MedGen C2675481, MONDO:0012953, OMIM 612591.

Allele frequency attached by ClinVar (database versions not stated): TOPMed 0.00002.
gnomAD v4.1: 7 of 1,575,788 alleles (0.00044%); highest among the groups gnomAD compares: South Asian, 0.0011%; no homozygotes.

Submissions (3):

Labcorp Genetics (formerly Invitae), Labcorp
Classification: Uncertain significance for POLD1-related polyposis and colorectal cancer syndrome. Last evaluated: 2025-07-06. Review status: criteria provided, single submitter. Criteria: Invitae Variant Classification Sherloc (09022015). Collection method: clinical testing. Allele origin: germline.
Comment: This sequence change replaces aspartic acid, which is acidic and polar, with histidine, which is basic and polar, at codon 854 of the POLD1 protein (p.Asp854His). This variant is not present in population databases (gnomAD no frequency). This variant has not been reported in the literature in individuals affected with POLD1-related conditions. ClinVar contains an entry for this variant (Variation ID: 843011). Invitae Evidence Modeling of protein sequence and biophysical properties (such as structural, functional, and spatial information, amino acid conservation, physicochemical variation, residue mobility, and thermodynamic stability) indicates that this missense variant is not expected to disrupt POLD1 protein function with a negative predictive value of 80%. In summary, the available evidence is currently insufficient to determine the role of this variant in disease. Therefore, it has been classified as a Variant of Uncertain Significance.

Ambry Genetics
Classification: Uncertain significance for Hereditary cancer-predisposing syndrome. Last evaluated: 2024-03-30. Review status: criteria provided, single submitter. Criteria: Ambry Variant Classification Scheme 2023. Collection method: clinical testing. Allele origin: germline.
Comment: The p.D854H variant (also known as c.2560G>C), located in coding exon 19 of the POLD1 gene, results from a G to C substitution at nucleotide position 2560. The aspartic acid at codon 854 is replaced by histidine, an amino acid with similar properties. This amino acid position is conserved. In addition, this alteration is predicted to be tolerated by in silico analysis. Since supporting evidence is limited at this time, the clinical significance of this alteration remains unclear.

GeneDx
Classification: Uncertain significance. Last evaluated: 2023-06-29. Review status: criteria provided, single submitter. Criteria: GeneDx Variant Classification Process June 2021. Collection method: clinical testing. Allele origin: germline. Affected: yes.
Comment: Not observed at significant frequency in large population cohorts (gnomAD); In silico analysis supports that this missense variant has a deleterious effect on protein structure/function; Has not been previously published as pathogenic or benign to our knowledge